The following is an entry in ClinVar:

NM_003681.5(PDXK):c.143-116A>G

Gene: PDXK (pyridoxal kinase; plus strand). Cytogenetic location: 21q22.3.
Variant type: single nucleotide variant.
Coding change: c.143-116A>G on transcript NM_003681.5 (MANE Select); 116 bases into the intron before coding-DNA position 143, A replaced by G.
Molecular consequence: intron variant. On other transcripts: missense variant (1), initiator codon variant (1).
Genome position (GRCh38, 1-based): chr21:43,741,551, A>G. VCF-style: chr21-43741551-A-G. GRCh37 (hg19) VCF-style: chr21-45161432-A-G.
Other names: c.1A>G, p.Met1Val (NM_001331030.2); c.1A>G (NM_001331030.1); short protein forms M1V.
Identifiers: ClinVar variation 1231720 (VCV001231720.7), dbSNP rs73375216, ClinGen allele CA10048417.
Genomic context (GRCh38, chr21:43,741,551, plus strand): 5'-CAGCCGTTGGGACCTGCCAAGCACTGCGCCTAGTGATCTCCTTCGGGTTTGAGCCAGTCC[A>G]TGGGGAGGAGCCGTCCACCAGGCAGCCTCAGGGAGAGTGGGCGGGTGTCAAGGGAAGCCC-3'

ClinVar aggregate classification (germline): Benign. Review status: criteria provided, multiple submitters, no conflicts (2 of 4 stars). 3 submissions from 3 submitters: Benign (2). 1 of the submissions does not count toward it. Last evaluated 2021-05-13.

Conditions:
PDXK-related disorder. Also called: PDXK-related condition.

Allele frequency attached by ClinVar (database versions not stated): gnomAD exomes 0.01095; ESP Exome Variant Server 0.03703; gnomAD 0.03891 and 0.04139; ExAC 0.03931; TOPMed 0.04350; 1000 Genomes Project 0.05052; 1000 Genomes Project 30x 0.05356.
gnomAD v4.1: 11,103 of 1,524,412 alleles (0.73%); highest among the groups gnomAD compares: African/African-American, 14%; 772 homozygotes.

Submissions (3):

GeneDx
Classification: Benign. Last evaluated: 2021-05-13. Review status: criteria provided, single submitter. Criteria: GeneDx Variant Classification Process June 2021. Collection method: clinical testing. Allele origin: germline. Affected: yes.

Breakthrough Genomics
Classification: Benign. Review status: criteria provided, single submitter. Criteria: ACMG Guidelines, 2015. Collection method: not provided. Allele origin: germline. Inheritance: Autosomal recessive inheritance. Affected: yes.

PreventionGenetics, part of Exact Sciences
Classification: Benign for PDXK-related condition. Last evaluated: 2024-06-07. Review status: no assertion criteria provided. Collection method: clinical testing. Allele origin: germline. Not counted in ClinVar's aggregate classification.
Comment: This variant is classified as benign based on ACMG/AMP sequence variant interpretation guidelines (Richards et al. 2015 PMID: 25741868, with internal and published modifications).